The following is an entry in ClinVar:

ClinVar aggregate classification (germline): Pathogenic (1 of 4 stars; one submission).

Conditions:
Breast-ovarian cancer, familial, susceptibility to, 2 (BROVCA2). Also called: BRCA2 Hereditary Breast and Ovarian Cancer. Identifiers: Orphanet 145, MedGen C2675520, MONDO:0012933, OMIM 612555. Disease mechanism: loss of function.

Submission:

Myriad Genetics, Inc.
Classification: Pathogenic for Breast-ovarian cancer, familial, susceptibility to, 2. Last evaluated: 2024-08-27. Review status: criteria provided, single submitter. Criteria: Myriad Autosomal Dominant, Autosomal Recessive and X-Linked Classification Criteria (2023). Collection method: clinical testing. Allele origin: unknown.
Comment: This variant is considered pathogenic. This variant creates a frameshift predicted to result in premature protein truncation.

NM_000059.4(BRCA2):c.4673del (p.Ser1558fs)

Gene: BRCA2 (BRCA2 DNA repair associated; plus strand). Cytogenetic location: 13q13.1.
Variant type: Deletion.
Coding change: c.4673del on transcript NM_000059.4 (MANE Select); coding-DNA position 4673, one base deleted (G; older notation c.4673delG).
Protein change: p.Ser1558fs; shifts the reading frame from serine 1558.
Molecular consequence: frameshift variant. On other transcripts: non-coding transcript variant (1), intron variant (2).
Genome position (GRCh38, 1-based): chr13:32,339,028, G deleted. VCF-style (leftmost placement, unchanged base first): chr13-32339027-AG-A. GRCh37 (hg19) VCF-style: chr13-32913164-AG-A.
Other names: c.4673del, p.Ser1558fs (NM_001406719.1, NM_001406720.1, NM_001432077.1); c.1910-5530del (NM_001406721.1); c.425-5530del (NM_001406722.1); short protein forms S1558fs.
Identifiers: ClinVar variation 3379270 (VCV003379270.1).